The following is an entry in ClinVar:

ClinVar aggregate classification (germline): Likely benign. Review status: criteria provided, multiple submitters, no conflicts (2 of 4 stars). 2 submissions from 2 submitters: Likely benign (2). Last evaluated 2025-06-12.

Allele frequency attached by ClinVar (database versions not stated): gnomAD 0.00002; ExAC 0.00001; TOPMed 0.00005.

Submissions (2):

Labcorp Genetics (formerly Invitae), Labcorp
Classification: Likely benign. Last evaluated: 2025-06-12. Review status: criteria provided, single submitter. Criteria: Invitae Variant Classification Sherloc (09022015). Collection method: clinical testing. Allele origin: germline.

CeGaT Center for Human Genetics Tuebingen
Classification: Likely benign. Last evaluated: 2023-04-01. Review status: criteria provided, single submitter. Criteria: CeGaT Center For Human Genetics Tuebingen Variant Classification Criteria Version 2. Collection method: clinical testing. Allele origin: germline. Affected: yes. Observed: 1 variant allele.
Comment: SIX2: BP4, BP7

NM_016932.5(SIX2):c.282G>A (p.Glu94=)

Gene: SIX2 (SIX homeobox 2; minus strand). Cytogenetic location: 2p21.
Variant type: single nucleotide variant.
Coding change: c.282G>A on transcript NM_016932.5 (MANE Select); coding-DNA position 282, G replaced by A.
Protein change: p.Glu94=; no amino-acid change (glutamic acid 94 retained).
Molecular consequence: synonymous variant.
Genome position (GRCh38, 1-based): chr2:45,008,829, C>T on the plus strand (G>A on the coding strand, the complement: SIX2 is on the minus strand). VCF-style: chr2-45008829-C-T. GRCh37 (hg19) VCF-style: chr2-45235968-C-T.
Identifiers: ClinVar variation 2650867 (VCV002650867.27), dbSNP rs201197395, ClinGen allele CA1642601.